The following is an entry in ClinVar:

NM_002224.4(ITPR3):c.3973-8A>G

Gene: ITPR3 (inositol 1,4,5-trisphosphate receptor type 3; plus strand). Cytogenetic location: 6p21.31.
Variant type: single nucleotide variant.
Coding change: c.3973-8A>G on transcript NM_002224.4 (MANE Select); 8 bases into the intron before coding-DNA position 3973, A replaced by G.
Molecular consequence: intron variant.
Genome position (GRCh38, 1-based): chr6:33,679,874, A>G. VCF-style: chr6-33679874-A-G. GRCh37 (hg19) VCF-style: chr6-33647651-A-G.
Other names: c.3973-8A>G (NM_002224.3).
Identifiers: ClinVar variation 1183432 (VCV001183432.4), dbSNP rs4713654, ClinGen allele CA3761099.

ClinVar aggregate classification (germline): Benign. Review status: criteria provided, single submitter (1 of 4 stars). 2 submissions from 2 submitters: Benign (1). 1 of the submissions does not count toward it. Last evaluated 2021-05-04.

Conditions:
ITPR3-related disorder. Also called: ITPR3-related condition.

Allele frequency attached by ClinVar (database versions not stated): ESP Exome Variant Server 0.62902; TOPMed 0.64234; gnomAD 0.64785 and 0.65567; 1000 Genomes Project 30x 0.69129.
gnomAD v4.1: 1,088,923 of 1,606,694 alleles (68%); highest among the groups gnomAD compares: East Asian, 86%; 372,418 homozygotes.

Submissions (2):

GeneDx
Classification: Benign. Last evaluated: 2021-05-04. Review status: criteria provided, single submitter. Criteria: GeneDx Variant Classification Process June 2021. Collection method: clinical testing. Allele origin: germline. Affected: yes.

PreventionGenetics, part of Exact Sciences
Classification: Benign for ITPR3-related condition. Last evaluated: 2019-10-17. Review status: no assertion criteria provided. Collection method: clinical testing. Allele origin: germline. Not counted in ClinVar's aggregate classification.
Comment: This variant is classified as benign based on ACMG/AMP sequence variant interpretation guidelines (Richards et al. 2015 PMID: 25741868, with internal and published modifications).